The following is an entry in ClinVar:

ClinVar aggregate classification (germline): Uncertain significance (1 of 4 stars; one submission).

Conditions:
Primary ciliary dyskinesia 27. Also called: CILIARY DYSKINESIA, PRIMARY, 27, WITHOUT SITUS INVERSUS. Identifiers: Orphanet 244, MedGen C3809701, MONDO:0014215, OMIM 615504.

gnomAD v4.1: 1 of 1,614,178 alleles (0.000062%); highest among the groups gnomAD compares: Non-Finnish European, 0.000085%; no homozygotes.

Submission:

Labcorp Genetics (formerly Invitae), Labcorp
Classification: Uncertain significance for Primary ciliary dyskinesia 27. Last evaluated: 2022-11-17. Review status: criteria provided, single submitter. Criteria: Invitae Variant Classification Sherloc (09022015). Collection method: clinical testing. Allele origin: germline.
Comment: Algorithms developed to predict the effect of missense changes on protein structure and function are either unavailable or do not agree on the potential impact of this missense change (SIFT: "Tolerated"; PolyPhen-2: "Probably Damaging"; Align-GVGD: "Class C0"). In summary, the available evidence is currently insufficient to determine the role of this variant in disease. Therefore, it has been classified as a Variant of Uncertain Significance. This variant has not been reported in the literature in individuals affected with CCDC65-related conditions. This variant is not present in population databases (gnomAD no frequency). This sequence change replaces arginine, which is basic and polar, with proline, which is neutral and non-polar, at codon 134 of the CCDC65 protein (p.Arg134Pro).

NM_033124.5(DRC2):c.401G>C (p.Arg134Pro)

Gene: DRC2 (dynein regulatory complex subunit 2; plus strand). Cytogenetic location: 12q13.12.
Variant type: single nucleotide variant.
Coding change: c.401G>C on transcript NM_033124.5 (MANE Select); coding-DNA position 401, G replaced by C.
Protein change: p.Arg134Pro; replaces arginine 134 with proline.
Molecular consequence: missense variant. On other transcripts: 5 prime UTR variant (1).
Genome position (GRCh38, 1-based): chr12:48,914,504, G>C. VCF-style: chr12-48914504-G-C. GRCh37 (hg19) VCF-style: chr12-49308287-G-C.
Other names: c.-29G>C (NM_001286957.2); short protein forms R134P.
Identifiers: ClinVar variation 2741924 (VCV002741924.3), dbSNP rs1355780904, ClinGen allele CA384626087.